The following is an entry in ClinVar:

NM_004655.4(AXIN2):c.2237+7G>A

Gene: AXIN2 (axin 2; minus strand). Cytogenetic location: 17q24.1.
Variant type: single nucleotide variant.
Coding change: c.2237+7G>A on transcript NM_004655.4 (MANE Select); 7 bases into the intron after coding-DNA position 2237, G replaced by A.
Molecular consequence: intron variant.
Genome position (GRCh38, 1-based): chr17:65,535,619, C>T on the plus strand (G>A on the coding strand, the complement: AXIN2 is on the minus strand). VCF-style: chr17-65535619-C-T. GRCh37 (hg19) VCF-style: chr17-63531737-C-T.
Other names: c.2042+7G>A (NM_001363813.1).
Identifiers: ClinVar variation 2996485 (VCV002996485.4), dbSNP rs2509396416, ClinGen allele CA2639404510.

ClinVar aggregate classification (germline): Likely benign. Review status: criteria provided, multiple submitters, no conflicts (2 of 4 stars). 2 submissions from 2 submitters: Likely benign (2). Last evaluated 2025-12-03.

Conditions:
Oligodontia-cancer predisposition syndrome. Also called: TOOTH AGENESIS-COLORECTAL CANCER SYNDROME. Identifiers: Orphanet 300576, MedGen C1837750, MONDO:0012075, OMIM 608615. Disease mechanism: loss of function.

Allele frequency attached by ClinVar (database versions not stated): gnomAD exomes below 0.00001.

Submissions (2):

Labcorp Genetics (formerly Invitae), Labcorp
Classification: Likely benign for Oligodontia-cancer predisposition syndrome. Last evaluated: 2025-12-03. Review status: criteria provided, single submitter. Criteria: Invitae Variant Classification Sherloc (09022015). Collection method: clinical testing. Allele origin: germline.

Myriad Genetics, Inc.
Classification: Likely benign for Oligodontia-cancer predisposition syndrome. Last evaluated: 2024-07-10. Review status: criteria provided, single submitter. Criteria: Myriad Autosomal Dominant, Autosomal Recessive and X-Linked Classification Criteria (2023). Collection method: clinical testing. Allele origin: unknown.
Comment: This variant is considered likely benign. This variant is intronic and is not expected to impact mRNA splicing.